The following is an entry in ClinVar:

ClinVar aggregate classification (germline): Likely pathogenic. Review status: criteria provided, multiple submitters, no conflicts (2 of 4 stars). 2 submissions from 2 submitters: Likely pathogenic (2). Last evaluated 2025-08-29.

Conditions:
Dilated cardiomyopathy 1G (CMD1G). Identifiers: Orphanet 154, MedGen C1858763, MONDO:0011400, OMIM 604145.
Autosomal recessive limb-girdle muscular dystrophy type 2J (LGMDR10). Also called: Limb-girdle muscular dystrophy, type 2J; MUSCULAR DYSTROPHY, LIMB-GIRDLE, AUTOSOMAL RECESSIVE 10. Identifiers: Orphanet 140922, MedGen C1837342, MONDO:0012127, OMIM 608807.

Allele frequency attached by ClinVar (database versions not stated): gnomAD exomes below 0.00001.
gnomAD v4.1: 2 of 1,613,748 alleles (0.00012%); highest among the groups gnomAD compares: Non-Finnish European, 0.00017%; no homozygotes.

Submissions (2):

Labcorp Genetics (formerly Invitae), Labcorp
Classification: Likely pathogenic for Dilated cardiomyopathy 1G; Autosomal recessive limb-girdle muscular dystrophy type 2J. Last evaluated: 2025-08-29. Review status: criteria provided, single submitter. Criteria: Invitae Variant Classification Sherloc (09022015). Collection method: clinical testing. Allele origin: germline.
Comment: This sequence change creates a premature translational stop signal (p.Gln1222*) in the TTN gene. While this is not anticipated to result in nonsense mediated decay, it is expected to create a truncated TTN protein. This variant is present in population databases (no rsID available, gnomAD 0.0009%). This variant has not been reported in the literature in individuals affected with TTN-related conditions. ClinVar contains an entry for this variant (Variation ID: 1057681). This variant is located in the Z band of TTN (PMID: 25589632). Truncating variants in this region have been reported in individuals affected with autosomal recessive centronuclear myopathy (PMID: 33449170, internal data). Truncating variants in this region have also been identified in individuals affected with autosomal dominant dilated cardiomyopathy and/or cardio-related conditions (PMID: 27869827, 32964742, internal data). In summary, the currently available evidence indicates that the variant is pathogenic, but additional data are needed to prove that conclusively. Therefore, this variant has been classified as Likely Pathogenic.

KardioGenetik, Herz- und Diabeteszentrum NRW
Classification: Likely pathogenic for Dilated cardiomyopathy 1G. Last evaluated: 2023-08-16. Review status: criteria provided, single submitter. Criteria: ACMG Guidelines, 2015. Collection method: clinical testing. Allele origin: unknown. Affected: yes. Observed: 1 variant allele.

Literature cited by the submitters: PubMed 25589632 (cited by Labcorp Genetics (formerly Invitae), Labcorp); PubMed 33449170 (cited by Labcorp Genetics (formerly Invitae), Labcorp); PubMed 27869827 (cited by Labcorp Genetics (formerly Invitae), Labcorp); PubMed 32964742 (cited by Labcorp Genetics (formerly Invitae), Labcorp).

NM_001267550.2(TTN):c.3664C>T (p.Gln1222Ter)

Gene: TTN (titin; minus strand). Cytogenetic location: 2q31.2.
Variant type: single nucleotide variant.
Coding change: c.3664C>T on transcript NM_001267550.2 (MANE Select); coding-DNA position 3664, C replaced by T.
Protein change: p.Gln1222Ter; replaces glutamine 1222 with a stop codon.
Molecular consequence: nonsense.
Genome position (GRCh38, 1-based): chr2:178,780,065, G>A on the plus strand (C>T on the coding strand, the complement: TTN is on the minus strand). VCF-style: chr2-178780065-G-A. GRCh37 (hg19) VCF-style: chr2-179644792-G-A.
Other names: c.3664C>T, p.Gln1222Ter (NM_001256850.1, NM_133378.4, NM_133379.5); c.3526C>T, p.Gln1176Ter (NM_003319.4, NM_133432.3, NM_133437.4); short protein forms Q1176*, Q1222*.
Identifiers: ClinVar variation 1057681 (VCV001057681.10), dbSNP rs1227198694, ClinGen allele CA349482336.
Genomic context (GRCh38, chr2:178,780,065, plus strand): 5'-CTTCTACATAAGTTCTGACCACTACAGTATCTTTGGCCATTTTCTTCCTAATTAAGGCTT[G>A]TTCTTTTTCATACTCTTTTTCATACTCAGAGTATACAAATCCAGGTGCTGTTTCTCCAAC-3'